The following is an entry in ClinVar:

NM_057175.5(NAA15):c.338A>G (p.Asn113Ser)

Gene: NAA15 (N-alpha-acetyltransferase 15, NatA auxiliary subunit; plus strand). Cytogenetic location: 4q31.1.
Variant type: single nucleotide variant.
Coding change: c.338A>G on transcript NM_057175.5 (MANE Select); coding-DNA position 338, A replaced by G.
Protein change: p.Asn113Ser; replaces asparagine 113 with serine.
Molecular consequence: missense variant.
Genome position (GRCh38, 1-based): chr4:139,341,005, A>G. VCF-style: chr4-139341005-A-G. GRCh37 (hg19) VCF-style: chr4-140262159-A-G.
Other names: c.338A>G, p.Asn113Ser (NM_001410842.1, NM_025085.2); short protein forms N113S.
Identifiers: ClinVar variation 2279264 (VCV002279264.4), dbSNP rs2530368724, ClinGen allele CA358259822.
Genomic context (GRCh38, chr4:139,341,005, plus strand): 5'-ACAAGAAGTATGATGAAGCCATTAAGTGTTACAGAAATGCACTAAAATGGGATAAAGACA[A>G]TCTTCAAATCTTAAGGGACCTTTCCTTACTACAGATTCAAATGCGAGATCTTGAGGGTTA-3'
Protein context (NP_476516.1, residues 103-123): YRNALKWDKD[Asn113Ser]LQILRDLSLL

ClinVar aggregate classification (germline): Likely pathogenic. Review status: criteria provided, multiple submitters, no conflicts (2 of 4 stars). 2 submissions from 2 submitters: Likely pathogenic (2). Last evaluated 2026-07-09.

Conditions:
Intellectual developmental disorder, autosomal dominant 50, with behavioral abnormalities. Also called: Intellectual disability, autosomal dominant 50; MENTAL RETARDATION, AUTOSOMAL DOMINANT 50. Identifiers: MedGen C4540470, MONDO:0030916, OMIM 617787.
Inborn genetic diseases. Identifiers: MedGen C0950123, MeSH D030342.

Submissions (2):

Ambry Genetics
Classification: Likely pathogenic for Inborn genetic diseases. Last evaluated: 2026-07-09. Review status: criteria provided, single submitter. Criteria: Ambry Variant Classification Scheme 2023. Collection method: clinical testing. Allele origin: germline.
Comment: The c.338A>G (p.N113S) alteration is located in exon 4 (coding exon 4) of the NAA15 gene. This alteration results from a A to G substitution at nucleotide position 338, causing the asparagine (N) at amino acid position 113 to be replaced by a serine (S). This variant was not reported in population-based cohorts in the Genome Aggregation Database (gnomAD). This variant was reported in individual(s) with features consistent with NAA15-related neurodevelopmental disorder; in at least one individual, it was determined to be de novo (Lyon, 2023). This amino acid position is highly conserved in available vertebrate species. This missense variant is located in a region that has a low rate of benign missense variation (Lek, 2016; Firth, 2009). This alteration is predicted to be tolerated by in silico analysis. Based on the available evidence, this alteration is classified as likely pathogenic.

Institute of Human Genetics, University of Leipzig Medical Center
Classification: Likely pathogenic for Intellectual developmental disorder, autosomal dominant 50, with behavioral abnormalities. Last evaluated: 2025-04-28. Review status: criteria provided, single submitter. Criteria: ACMG Guidelines, 2015. Collection method: clinical testing. Allele origin: unknown. Inheritance: Autosomal dominant inheritance. Affected: yes.
Comment: Criteria applied: PS2_MOD,PM2,PS4_SUP,PP2

Literature cited by the submitters: PubMed 37130971 (cited by Ambry Genetics).